The following is an entry in ClinVar:

NC_000013.10:g.(?_77566087)_(78492734_?)dup

Genes: CLN5 (CLN5 intracellular trafficking protein; plus strand), EDNRB (endothelin receptor type B; minus strand), FBXL3 (F-box and leucine rich repeat protein 3; minus strand), MYCBP2 (MYC binding protein 2; minus strand), SCEL (sciellin; plus strand) and 1 more. Cytogenetic location: 13q22.3.
Variant type: Duplication.
Identifiers: ClinVar variation 1409001 (VCV001409001.5).

ClinVar aggregate classification (germline): Uncertain significance (1 of 4 stars; one submission).

Submission:

Labcorp Genetics (formerly Invitae), Labcorp
Classification: Uncertain significance. Last evaluated: 2023-12-18. Review status: criteria provided, single submitter. Criteria: Invitae Variant Classification Sherloc (09022015). Collection method: clinical testing. Allele origin: germline.
Comment: A copy number gain of the genomic region encompassing the full coding sequence of the EDNRB gene has been identified. The boundaries of this event are unknown as they extend beyond the assayed region for this gene and therefore may encompass additional genes. As the precise location of this event is unknown, it may be in tandem or it may be located elsewhere in the genome. This variant has not been reported in the literature in individuals affected with EDNRB-related conditions. In summary, the available evidence is currently insufficient to determine the role of this variant in disease. Therefore, it has been classified as a Variant of Uncertain Significance.